The following is an entry in ClinVar:

NM_173854.6(SLC41A1):c.1144G>A (p.Gly382Arg)

Gene: SLC41A1 (solute carrier family 41 member 1; minus strand). Cytogenetic location: 1q32.1.
Variant type: single nucleotide variant.
Coding change: c.1144G>A on transcript NM_173854.6 (MANE Select); coding-DNA position 1144, G replaced by A.
Protein change: p.Gly382Arg; replaces glycine 382 with arginine.
Molecular consequence: missense variant.
Genome position (GRCh38, 1-based): chr1:205,795,407, C>T on the plus strand (G>A on the coding strand, the complement: SLC41A1 is on the minus strand). VCF-style: chr1-205795407-C-T. GRCh37 (hg19) VCF-style: chr1-205764535-C-T.
Other names: c.1144G>A (NM_173854.4); short protein forms G382R.
Identifiers: ClinVar variation 3604334 (VCV003604334.3).

ClinVar aggregate classification (germline): Uncertain significance. Review status: criteria provided, multiple submitters, no conflicts (2 of 4 stars). 2 submissions from 2 submitters: Uncertain significance (2). Last evaluated 2025-07-31.

gnomAD v4.1: 31 of 1,614,200 alleles (0.0019%); highest among the groups gnomAD compares: African/African-American, 0.008%; no homozygotes.

Submissions (2):

Ambry Genetics
Classification: Uncertain significance. Last evaluated: 2025-07-31. Review status: criteria provided, single submitter. Criteria: Ambry Variant Classification Scheme 2023. Collection method: clinical testing. Allele origin: germline.

Labcorp Genetics (formerly Invitae), Labcorp
Classification: Uncertain significance. Last evaluated: 2024-10-15. Review status: criteria provided, single submitter. Criteria: Invitae Variant Classification Sherloc (09022015). Collection method: clinical testing. Allele origin: germline.
Comment: This sequence change replaces glycine, which is neutral and non-polar, with arginine, which is basic and polar, at codon 382 of the SLC41A1 protein (p.Gly382Arg). This variant is present in population databases (rs577344199, gnomAD 0.01%). This variant has not been reported in the literature in individuals affected with SLC41A1-related conditions. An algorithm developed to predict the effect of missense changes on protein structure and function (PolyPhen-2) suggests that this variant is likely to be disruptive. In summary, the available evidence is currently insufficient to determine the role of this variant in disease. Therefore, it has been classified as a Variant of Uncertain Significance.